The following is an entry in ClinVar:

ClinVar aggregate classification (germline): Likely benign. Review status: criteria provided, multiple submitters, no conflicts (2 of 4 stars). 3 submissions from 3 submitters: Likely benign (2). 1 of the submissions does not count toward it. Last evaluated 2025-12-29.

Conditions:
KMT2D-related disorder. Also called: KMT2D-Related Disorders.
Kabuki syndrome. Also called: Kabuki make-up syndrome; NIIKAWA-KUROKI SYNDROME. Identifiers: Orphanet 2322, MedGen C0796004, MONDO:0016512.

Submissions (3):

Labcorp Genetics (formerly Invitae), Labcorp
Classification: Likely benign for Kabuki syndrome. Last evaluated: 2025-12-29. Review status: criteria provided, single submitter. Criteria: Invitae Variant Classification Sherloc (09022015). Collection method: clinical testing. Allele origin: germline.

Blueprint Genetics
Classification: Likely benign. Last evaluated: 2024-10-17. Review status: criteria provided, single submitter. Criteria: ACMG Guidelines, 2015. Collection method: clinical testing. Allele origin: germline.

PreventionGenetics, part of Exact Sciences
Classification: Likely benign for KMT2D-related condition. Last evaluated: 2022-04-13. Review status: no assertion criteria provided. Collection method: clinical testing. Allele origin: germline. Not counted in ClinVar's aggregate classification.
Comment: This variant is classified as likely benign based on ACMG/AMP sequence variant interpretation guidelines (Richards et al. 2015 PMID: 25741868, with internal and published modifications).

NM_003482.4(KMT2D):c.11723AGCAAC[3] (p.Gln3910_Gln3911dup)

Gene: KMT2D (lysine methyltransferase 2D; minus strand). Cytogenetic location: 12q13.12.
Variant type: Microsatellite.
Coding change: c.11723AGCAAC[3] on transcript NM_003482.4 (MANE Select); three copies in a row of the 6-base unit AGCAAC starting at c.11723; the reference has two copies in a row; one copy, 6 bases duplicated.
Protein change: p.Gln3910_Gln3911dup.
Molecular consequence: inframe insertion.
Genome position (GRCh38, 1-based): chr12:49,032,971-49,032,976, GTTGCT duplicated on the plus strand (AGCAAC on the coding strand, the reverse complement: KMT2D is on the minus strand); duplicating any 6 consecutive bases within chr12:49,032,971-49,032,987 gives the same sequence; the position shown is the placement nearest the transcript's 3' end. VCF-style (leftmost placement, unchanged base first): chr12-49032970-A-AGTTGCT. GRCh37 (hg19) VCF-style: chr12-49426753-A-AGTTGCT.
Other names: c.11729_11734dup6 (NM_003482.3).
Identifiers: ClinVar variation 833766 (VCV000833766.11), dbSNP rs398123709, ClinGen allele CA6546300.